The following is an entry in ClinVar:

NM_000553.6(WRN):c.3683T>G (p.Val1228Gly)

Gene: WRN (WRN RecQ like helicase; plus strand). Cytogenetic location: 8p12.
Variant type: single nucleotide variant.
Coding change: c.3683T>G on transcript NM_000553.6 (MANE Select); coding-DNA position 3683, T replaced by G.
Protein change: p.Val1228Gly; replaces valine 1228 with glycine.
Molecular consequence: missense variant.
Genome position (GRCh38, 1-based): chr8:31,150,451, T>G. VCF-style: chr8-31150451-T-G. GRCh37 (hg19) VCF-style: chr8-31007967-T-G.
Other names: short protein forms V1228G.
Identifiers: ClinVar variation 2819626 (VCV002819626.3), dbSNP rs1478874782, ClinGen allele CA370928228.

ClinVar aggregate classification (germline): Uncertain significance (1 of 4 stars; one submission).

Conditions:
Werner syndrome (WRN). Identifiers: Orphanet 902, MedGen C0043119, MONDO:0010196, OMIM 277700.

Submission:

Labcorp Genetics (formerly Invitae), Labcorp
Classification: Uncertain significance for Werner syndrome. Last evaluated: 2022-12-09. Review status: criteria provided, single submitter. Criteria: Invitae Variant Classification Sherloc (09022015). Collection method: clinical testing. Allele origin: germline.
Comment: This sequence change replaces valine, which is neutral and non-polar, with glycine, which is neutral and non-polar, at codon 1228 of the WRN protein (p.Val1228Gly). In summary, the available evidence is currently insufficient to determine the role of this variant in disease. Therefore, it has been classified as a Variant of Uncertain Significance. This variant is not present in population databases (gnomAD no frequency). This variant has not been reported in the literature in individuals affected with WRN-related conditions. Algorithms developed to predict the effect of missense changes on protein structure and function are either unavailable or do not agree on the potential impact of this missense change (SIFT: "Not Available"; PolyPhen-2: "Possibly Damaging"; Align-GVGD: "Not Available").